The following is an entry in ClinVar:

NM_152703.5(SAMD9L):c.1075C>T (p.Arg359Trp)

Gene: SAMD9L (sterile alpha motif domain containing 9 like; minus strand). Cytogenetic location: 7q21.2.
Variant type: single nucleotide variant.
Coding change: c.1075C>T on transcript NM_152703.5 (MANE Select); coding-DNA position 1075, C replaced by T.
Protein change: p.Arg359Trp; replaces arginine 359 with tryptophan.
Molecular consequence: missense variant.
Genome position (GRCh38, 1-based): chr7:93,134,897, G>A on the plus strand (C>T on the coding strand, the complement: SAMD9L is on the minus strand). VCF-style: chr7-93134897-G-A. GRCh37 (hg19) VCF-style: chr7-92764210-G-A.
Other names: c.1075C>T (NM_152703.3); c.1075C>T, p.Arg359Trp (NM_001303496.3, NM_001303497.3, NM_001303498.3 and 5 more transcripts); short protein forms R359W.
Identifiers: ClinVar variation 2183801 (VCV002183801.5), dbSNP rs569239575, ClinGen allele CA4343768.

ClinVar aggregate classification (germline): Uncertain significance. Review status: criteria provided, multiple submitters, no conflicts (2 of 4 stars). 2 submissions from 2 submitters: Uncertain significance (2). Last evaluated 2024-12-05.

Allele frequency attached by ClinVar (database versions not stated): gnomAD 0.00001; TOPMed 0.00001; 1000 Genomes Project 30x 0.00016; 1000 Genomes Project 0.00020.
gnomAD v4.1: 37 of 1,613,826 alleles (0.0023%); highest among the groups gnomAD compares: South Asian, 0.013%; no homozygotes.

Submissions (2):

Labcorp Genetics (formerly Invitae), Labcorp
Classification: Uncertain significance. Last evaluated: 2024-12-05. Review status: criteria provided, single submitter. Criteria: Invitae Variant Classification Sherloc (09022015). Collection method: clinical testing. Allele origin: germline.
Comment: This sequence change replaces arginine, which is basic and polar, with tryptophan, which is neutral and slightly polar, at codon 359 of the SAMD9L protein (p.Arg359Trp). This variant is present in population databases (rs569239575, gnomAD 0.02%). This variant has not been reported in the literature in individuals affected with SAMD9L-related conditions. ClinVar contains an entry for this variant (Variation ID: 2183801). An algorithm developed to predict the effect of missense changes on protein structure and function (PolyPhen-2) suggests that this variant is likely to be tolerated. In summary, the available evidence is currently insufficient to determine the role of this variant in disease. Therefore, it has been classified as a Variant of Uncertain Significance.

GeneDx
Classification: Uncertain significance. Last evaluated: 2022-08-09. Review status: criteria provided, single submitter. Criteria: GeneDx Variant Classification Process June 2021. Collection method: clinical testing. Allele origin: germline. Affected: yes.
Comment: In silico analysis supports that this missense variant does not alter protein structure/function; Has not been previously published as pathogenic or benign to our knowledge